The following is an entry in ClinVar:

ClinVar aggregate classification (germline): Conflicting classifications of pathogenicity. Review status: criteria provided, conflicting classifications (1 of 4 stars). 3 submissions from 3 submitters: Uncertain significance (1); Likely benign (1). 1 of the submissions does not count toward it. Last evaluated 2024-10-31.

Conditions:
KMT2E-related disorder. Also called: KMT2E-related condition.

Allele frequency attached by ClinVar (database versions not stated): ExAC 0.00002; gnomAD exomes 0.00002; TOPMed 0.00002; gnomAD 0.00003.
gnomAD v4.1: 22 of 1,613,572 alleles (0.0014%); highest among the groups gnomAD compares: Admixed American, 0.01%; no homozygotes.

Submissions (3):

Labcorp Genetics (formerly Invitae), Labcorp
Classification: Uncertain significance. Last evaluated: 2024-10-31. Review status: criteria provided, single submitter. Criteria: Invitae Variant Classification Sherloc (09022015). Collection method: clinical testing. Allele origin: germline.
Comment: This sequence change replaces serine, which is neutral and polar, with glycine, which is neutral and non-polar, at codon 48 of the KMT2E protein (p.Ser48Gly). This variant is present in population databases (rs780152679, gnomAD 0.009%). This variant has not been reported in the literature in individuals affected with KMT2E-related conditions. ClinVar contains an entry for this variant (Variation ID: 3015598). Invitae Evidence Modeling of protein sequence and biophysical properties (such as structural, functional, and spatial information, amino acid conservation, physicochemical variation, residue mobility, and thermodynamic stability) indicates that this missense variant is expected to disrupt KMT2E protein function with a positive predictive value of 80%. In summary, the available evidence is currently insufficient to determine the role of this variant in disease. Therefore, it has been classified as a Variant of Uncertain Significance.

Blueprint Genetics
Classification: Likely benign. Last evaluated: 2024-09-13. Review status: criteria provided, single submitter. Criteria: ACMG Guidelines, 2015. Collection method: clinical testing. Allele origin: germline.

PreventionGenetics, part of Exact Sciences
Classification: Likely benign for KMT2E-related condition. Last evaluated: 2023-06-19. Review status: no assertion criteria provided. Collection method: clinical testing. Allele origin: germline. Not counted in ClinVar's aggregate classification.
Comment: This variant is classified as likely benign based on ACMG/AMP sequence variant interpretation guidelines (Richards et al. 2015 PMID: 25741868, with internal and published modifications).

NM_182931.3(KMT2E):c.142A>G (p.Ser48Gly)

Gene: KMT2E (lysine methyltransferase 2E (inactive); plus strand). Cytogenetic location: 7q22.3.
Variant type: single nucleotide variant.
Coding change: c.142A>G on transcript NM_182931.3 (MANE Select); coding-DNA position 142, A replaced by G.
Protein change: p.Ser48Gly; replaces serine 48 with glycine.
Molecular consequence: missense variant.
Genome position (GRCh38, 1-based): chr7:105,062,234, A>G. VCF-style: chr7-105062234-A-G. GRCh37 (hg19) VCF-style: chr7-104702681-A-G.
Other names: c.142A>G, p.Ser48Gly (NM_001410908.1, NM_018682.4); c.142A>G (NM_182931.2); short protein forms S48G.
Identifiers: ClinVar variation 3015598 (VCV003015598.6), dbSNP rs780152679, ClinGen allele CA4423620.
Genomic context (GRCh38, chr7:105,062,234, plus strand): 5'-GTAGAAGCTAGCCCTGTGGTAGTTGAGAAATCCAACAGTTATCCCCACCAGTTATATACC[A>G]GCAGCTCACATCATTCACACAGTTACATTGGTTTGCCCTATGCGGTAAGTGTTAAACACT-3'
Protein context (NP_891847.1, residues 38-58): SNSYPHQLYT[Ser48Gly]SSHHSHSYIG